The following is an entry in ClinVar:

ClinVar aggregate classification (germline): Likely pathogenic (1 of 4 stars; one submission).

Conditions:
Ellis-van Creveld syndrome (EVC). Also called: EVC-Related Ellis-van Creveld Syndrome; EVC2-Related Ellis-van Creveld Syndrome; MESOECTODERMAL DYSPLASIA; Chondroectodermal dysplasia. Identifiers: Orphanet 289, MedGen C0013903, MONDO:0009162, OMIM 225500.

Submission:

Myriad Genetics, Inc.
Classification: Likely pathogenic for Ellis-van Creveld syndrome. Last evaluated: 2022-02-20. Review status: criteria provided, single submitter. Criteria: Myriad Women's Health Autosomal Recessive and X-Linked Classification Criteria (2021). Collection method: clinical testing. Allele origin: unknown.
Comment: NM_147127.4(EVC2):c.1292_1296del5(V431Efs*10) is expected to be pathogenic in the context of EVC2-related Ellis-van Creveld syndrome. This variant is predicted to lead to an abnormal or absent protein product due to the creation of a premature termination codon in EVC2, a gene where loss-of-function variants are known to be pathogenic. Please note: this variant was assessed in the context of healthy population screening.

NM_147127.5(EVC2):c.1292_1296del (p.Val431fs)

Genes: EVC2 (EvC ciliary complex subunit 2; minus strand), LOC126806961 (BRD4-independent group 4 enhancer GRCh37_chr4:5641443-5642642; plus strand). Cytogenetic location: 4p16.2.
Variant type: Deletion.
Coding change: c.1292_1296del on transcript NM_147127.5 (MANE Select); coding-DNA positions 1292 to 1296, 5 bases deleted (TTTTC; older notation c.1292_1296delTTTTC).
Protein change: p.Val431fs; shifts the reading frame from valine 431.
Molecular consequence: frameshift variant.
Genome position (GRCh38, 1-based): chr4:5,640,688-5,640,692, GAAAA deleted on the plus strand (TTTTC on the coding strand, the reverse complement: EVC2 is on the minus strand). VCF-style (leftmost placement, unchanged base first): chr4-5640687-TGAAAA-T. GRCh37 (hg19) VCF-style: chr4-5642414-TGAAAA-T.
Other names: c.1052_1056del, p.Val351fs (NM_001166136.2); short protein forms V351fs, V431fs.
Identifiers: ClinVar variation 1724584 (VCV001724584.2), dbSNP rs2475438306, ClinGen allele CA2580070750.